The following is an entry in ClinVar:

NM_000393.5(COL5A2):c.1720T>G (p.Leu574Val)

Gene: COL5A2 (collagen type V alpha 2 chain; minus strand). Cytogenetic location: 2q32.2.
Variant type: single nucleotide variant.
Coding change: c.1720T>G on transcript NM_000393.5 (MANE Select); coding-DNA position 1720, T replaced by G.
Protein change: p.Leu574Val; replaces leucine 574 with valine.
Molecular consequence: missense variant.
Genome position (GRCh38, 1-based): chr2:189,064,030, A>C on the plus strand (T>G on the coding strand, the complement: COL5A2 is on the minus strand). VCF-style: chr2-189064030-A-C. GRCh37 (hg19) VCF-style: chr2-189928756-A-C.
Other names: short protein forms L574V.
Identifiers: ClinVar variation 4745014 (VCV004745014.1).

ClinVar aggregate classification (germline): Uncertain significance (1 of 4 stars; one submission).

Conditions:
Ehlers-Danlos syndrome, classic type, 1 (EDSCL1). Also called: EHLERS-DANLOS SYNDROME, GRAVIS TYPE; EHLERS-DANLOS SYNDROME, SEVERE CLASSIC TYPE; Ehlers-Danlos syndrome, type 1; Ehlers-Danlos Syndrome, Classic Type, COL5A1-Related; EDS I. Identifiers: MedGen C0268335, MONDO:0019567, OMIM 130000.

Submission:

Labcorp Genetics (formerly Invitae), Labcorp
Classification: Uncertain significance for Ehlers-Danlos syndrome, classic type, 1. Last evaluated: 2025-09-30. Review status: criteria provided, single submitter. Criteria: Invitae Variant Classification Sherloc (09022015). Collection method: clinical testing. Allele origin: germline.
Comment: This sequence change replaces leucine, which is neutral and non-polar, with valine, which is neutral and non-polar, at codon 574 of the COL5A2 protein (p.Leu574Val). This variant is not present in population databases (gnomAD no frequency). This variant has not been reported in the literature in individuals affected with COL5A2-related conditions. Invitae Evidence Modeling of protein sequence and biophysical properties (such as structural, functional, and spatial information, amino acid conservation, physicochemical variation, residue mobility, and thermodynamic stability) indicates that this missense variant is not expected to disrupt COL5A2 protein function with a negative predictive value of 80%. In summary, the available evidence is currently insufficient to determine the role of this variant in disease. Therefore, it has been classified as a Variant of Uncertain Significance.